The following is an entry in ClinVar:

ClinVar aggregate classification (germline): Likely benign. Review status: criteria provided, multiple submitters, no conflicts (2 of 4 stars). 4 submissions from 4 submitters: Likely benign (4). Last evaluated 2026-01-28.

Conditions:
Genitopatellar syndrome (GTPTS). Also called: Genitopatellar syndrome (GPS); ABSENT PATELLAE, SCROTAL HYPOPLASIA, RENAL ANOMALIES, FACIAL DYSMORPHISM, AND MENTAL RETARDATION. Identifiers: Orphanet 85201, MedGen C1853566, MONDO:0011640, OMIM 606170.

Allele frequency attached by ClinVar (database versions not stated): 1000 Genomes Project 30x 0.00016; gnomAD 0.00019; 1000 Genomes Project 0.00020; ExAC 0.00023; ESP Exome Variant Server 0.00031.
gnomAD v4.1: 470 of 1,614,068 alleles (0.029%); highest among the groups gnomAD compares: Non-Finnish European, 0.038%; 1 homozygote.

Submissions (4):

Labcorp Genetics (formerly Invitae), Labcorp
Classification: Likely benign for Genitopatellar syndrome. Last evaluated: 2026-01-28. Review status: criteria provided, single submitter. Criteria: Invitae Variant Classification Sherloc (09022015). Collection method: clinical testing. Allele origin: germline.

CeGaT Center for Human Genetics Tuebingen
Classification: Likely benign. Last evaluated: 2025-06-01. Review status: criteria provided, single submitter. Criteria: CeGaT Center For Human Genetics Tuebingen Variant Classification Criteria Version 2. Collection method: clinical testing. Allele origin: germline. Affected: yes. Observed: 3 variant alleles.
Comment: KAT6B: BP4, BP7

Blueprint Genetics
Classification: Likely benign. Last evaluated: 2024-08-30. Review status: criteria provided, single submitter. Criteria: ACMG Guidelines, 2015. Collection method: clinical testing. Allele origin: germline.

GeneDx
Classification: Likely benign. Last evaluated: 2020-12-30. Review status: criteria provided, single submitter. Criteria: GeneDx Variant Classification Process June 2021. Collection method: clinical testing. Allele origin: germline. Affected: yes.

NM_012330.4(KAT6B):c.3828G>A (p.Pro1276=)

Gene: KAT6B (lysine acetyltransferase 6B; plus strand). Cytogenetic location: 10q22.2.
Variant type: single nucleotide variant.
Coding change: c.3828G>A on transcript NM_012330.4 (MANE Select); coding-DNA position 3828, G replaced by A.
Protein change: p.Pro1276=; no amino-acid change (proline 1276 retained).
Molecular consequence: synonymous variant.
Genome position (GRCh38, 1-based): chr10:75,028,652, G>A. VCF-style: chr10-75028652-G-A. GRCh37 (hg19) VCF-style: chr10-76788410-G-A.
Other names: c.3279G>A, p.Pro1093= (NM_001256468.2, NM_001370138.1); c.2952G>A, p.Pro984= (NM_001256469.2, NM_001370139.1, NM_001370140.1 and 2 more transcripts); c.2790G>A, p.Pro930= (NM_001370132.1); c.2139G>A, p.Pro713= (NM_001370133.1); c.1743G>A, p.Pro581= (NM_001370134.1); c.1485G>A, p.Pro495= (NM_001370135.1); c.3828G>A, p.Pro1276= (NM_001370136.1, NM_001370137.1); c.2763G>A, p.Pro921= (NM_001370143.1, NM_001370144.1).
Identifiers: ClinVar variation 1086068 (VCV001086068.43), dbSNP rs141935235, ClinGen allele CA5564912.
Genomic context (GRCh38, chr10:75,028,652, plus strand): 5'-ATCTAAGTGGAGGCAAAACAAAGAGAGGAAGACCGGATTTAAACTGAATTTGTACACCCC[G>A]CCAGAAACACCCATGGAGCCTGACGAGCAGGTAACAGTGGAAGAACAGAAGGAGACTTCA-3'
Protein context (NP_036462.2, residues 1266-1286): KTGFKLNLYT[Pro1276=]PETPMEPDEQ